The following is an entry in ClinVar:

ClinVar aggregate classification (germline): Pathogenic (1 of 4 stars; one submission).

Conditions:
Glycogen storage disease, type IV (GSD4). Also called: AMYLOPECTINOSIS; ANDERSEN DISEASE; BRANCHER DEFICIENCY; CIRRHOSIS, FAMILIAL, WITH DEPOSITION OF ABNORMAL GLYCOGEN; GBE1 DEFICIENCY; GLYCOGEN BRANCHING ENZYME DEFICIENCY. Identifiers: Orphanet 367, MedGen C0017923, MONDO:0009292, OMIM 232500.

Submission:

Myriad Genetics, Inc.
Classification: Pathogenic for Glycogen storage disease, type IV. Last evaluated: 2024-05-14. Review status: criteria provided, single submitter. Criteria: Myriad Autosomal Dominant, Autosomal Recessive and X-Linked Classification Criteria (2023). Collection method: clinical testing. Allele origin: unknown.
Comment: NM_000158.3(GBE1):c.1774_1775ins13(E592Vfs*2) is expected to be pathogenic in the context of glycogen storage disease, GBE1-related. This variant is predicted to lead to an abnormal or absent protein product due to the creation of a premature termination codon in GBE1, a gene where loss-of-function variants are known to be pathogenic. Please note: this variant was assessed in the context of healthy population screening.

NM_000158.4(GBE1):c.1774_1775insTATAAGAGACAGT (p.Glu592delinsValTer)

Gene: GBE1 (1,4-alpha-glucan branching enzyme 1; minus strand). Cytogenetic location: 3p12.2.
Variant type: Insertion.
Coding change: c.1774_1775insTATAAGAGACAGT on transcript NM_000158.4 (MANE Select); coding-DNA positions 1774 to 1775, TATAAGAGACAGT inserted.
Protein change: p.Glu592delinsValTer.
Molecular consequence: nonsense.
Genome position: GRCh38 VCF-style: chr3-81536939-T-TACTGTCTCTTATA. GRCh37 (hg19) VCF-style: chr3-81586090-T-TACTGTCTCTTATA.
Identifiers: ClinVar variation 5016386 (VCV005016386.1).